The following is an entry in ClinVar:

NM_000138.5(FBN1):c.4583-13A>G

Gene: FBN1 (fibrillin 1; minus strand). Cytogenetic location: 15q21.1.
Variant type: single nucleotide variant.
Coding change: c.4583-13A>G on transcript NM_000138.5 (MANE Select); 13 bases into the intron before coding-DNA position 4583, A replaced by G.
Molecular consequence: intron variant.
Genome position (GRCh38, 1-based): chr15:48,468,115, T>C on the plus strand (A>G on the coding strand, the complement: FBN1 is on the minus strand). VCF-style: chr15-48468115-T-C. GRCh37 (hg19) VCF-style: chr15-48760312-T-C.
Other names: c.4583-13A>G (NM_001406716.1).
Identifiers: ClinVar variation 3386793 (VCV003386793.2).

ClinVar aggregate classification (germline): Likely benign. Review status: criteria provided, multiple submitters, no conflicts (2 of 4 stars). 2 submissions from 2 submitters: Likely benign (2). Last evaluated 2024-07-10.

Conditions:
Familial thoracic aortic aneurysm and aortic dissection (TAAD). Also called: Thoracic aortic aneurysms and dissections. Identifiers: Orphanet 91387, MedGen C4707243, MONDO:0019625.
Marfan syndrome (MFS). Also called: MARFAN SYNDROME, TYPE I; Marfan syndrome type 1; Marfan's syndrome; FBN1-Related Marfan Syndrome; Marfan syndrome, classic. Identifiers: Orphanet 284963, Orphanet 558, MedGen C0024796, MONDO:0007947, OMIM 154700.

gnomAD v4.1: 2 of 1,613,924 alleles (0.00012%); highest among the groups gnomAD compares: Non-Finnish European, 0.00017%; no homozygotes.

Submissions (2):

All of Us Research Program, National Institutes of Health
Classification: Likely benign for Marfan syndrome. Last evaluated: 2024-07-10. Review status: criteria provided, single submitter. Criteria: ACMG Guidelines, 2015. Collection method: clinical testing. Allele origin: germline. Inheritance: Autosomal dominant inheritance. Observed: 1 variant allele, 1 heterozygote.
Comment: This study involves interpretation of variants in research participants for the purpose of population health screening. Participant phenotype was not available at the time of variant classification. Additional details can be found in publication PMID: 35346344, PMCID: PMC8962531

Color Diagnostics, LLC DBA Color Health
Classification: Likely benign for Familial thoracic aortic aneurysm and aortic dissection. Last evaluated: 2024-02-22. Review status: criteria provided, single submitter. Criteria: ACMG Guidelines, 2015. Collection method: clinical testing. Allele origin: germline.